The following is an entry in ClinVar:

ClinVar aggregate classification (germline): Benign/Likely benign. Review status: criteria provided, multiple submitters, no conflicts (2 of 4 stars). 8 submissions from 8 submitters: Benign (5); Likely benign (3). Last evaluated 2026-01-24.

Conditions:
Primary ciliary dyskinesia. Also called: Ciliary dyskinesia. Identifiers: Orphanet 244, MedGen C0008780, MONDO:0016575, HP:0012265.

Allele frequency attached by ClinVar (database versions not stated): gnomAD exomes 0.00042 and 0.00099; ExAC 0.00131; 1000 Genomes Project 0.00318; gnomAD 0.00333 and 0.00361; TOPMed 0.00377; 1000 Genomes Project 30x 0.00416; ESP Exome Variant Server 0.00436.
gnomAD v4.1: 854 of 1,200,366 alleles (0.071%); highest among the groups gnomAD compares: African/African-American, 1.2%; 2 homozygotes.

Submissions (8):

Labcorp Genetics (formerly Invitae), Labcorp
Classification: Benign for Primary ciliary dyskinesia. Last evaluated: 2026-01-24. Review status: criteria provided, single submitter. Criteria: Invitae Variant Classification Sherloc (09022015). Collection method: clinical testing. Allele origin: germline.

CeGaT Center for Human Genetics Tuebingen
Classification: Likely benign. Last evaluated: 2025-11-01. Review status: criteria provided, single submitter. Criteria: CeGaT Center For Human Genetics Tuebingen Variant Classification Criteria Version 2. Collection method: clinical testing. Allele origin: germline. Affected: yes. Observed: 2 variant alleles.
Comment: RPGR: PM5, BS2

Blueprint Genetics
Classification: Benign. Last evaluated: 2023-11-21. Review status: criteria provided, single submitter. Criteria: ACMG Guidelines, 2015. Collection method: clinical testing. Allele origin: germline.

Women's Health and Genetics/Laboratory Corporation of America, LabCorp
Classification: Benign. Last evaluated: 2022-07-13. Review status: criteria provided, single submitter. Criteria: LabCorp Variant Classification Summary - May 2015. Collection method: clinical testing. Allele origin: germline.
Comment: Variant summary: RPGR c.905G>C (p.Cys302Ser) results in a non-conservative amino acid change in the encoded protein sequence. Four of four in-silico tools predict a damaging effect of the variant on protein function. The variant allele was found at a frequency of 0.00099 in 181930 control chromosomes, predominantly at a frequency of 0.012 within the African or African-American subpopulation in the gnomAD database, including 1 homozygote and 49 hemizygotes. The observed variant frequency within African or African-American control individuals in the gnomAD database is approximately 2-fold of the estimated maximal expected allele frequency for a pathogenic variant in RPGR causing X-linked Retinitis Pigmentosa (0.012 vs. 0.005), strongly suggesting that the variant is a benign polymorphism found primarily in populations of African or African-American origin. Although c.905G>C has been reported in the literature in at least two individuals affected with Retinitis Pigmentosa (e.g. Wang_2014, Costa_2017), these reports do not provide unequivocal conclusions about association of the variant with X-linked Retinitis Pigmentosa. To our knowledge, no experimental evidence demonstrating an impact on protein function has been reported. Two submitters have provided clinical-significance assessments for this variant to ClinVar after 2014 and both classified the variant as benign/likely benign. Based on the evidence outlined above, the variant was classified as benign.

Center for Pediatric Genomic Medicine, Children's Mercy Hospital and Clinics
Classification: Likely benign. Last evaluated: 2016-07-22. Review status: criteria provided, single submitter. Criteria: ACMG Guidelines, 2015. Collection method: clinical testing. Allele origin: germline.
ClinVar note: Converted during submission from Likely Benign to Likely benign.

Ambry Genetics
Classification: Benign for Primary ciliary dyskinesia. Last evaluated: 2015-09-10. Review status: criteria provided, single submitter. Criteria: Ambry Variant Classification Scheme 2023. Collection method: clinical testing. Allele origin: germline.

Breakthrough Genomics
Classification: Likely benign. Review status: criteria provided, single submitter. Criteria: ACMG Guidelines, 2015. Collection method: not provided. Allele origin: germline. Inheritance: X-linked inheritance. Affected: yes.

PreventionGenetics, part of Exact Sciences
Classification: Benign. Review status: criteria provided, single submitter. Criteria: ACMG Guidelines, 2015. Collection method: clinical testing. Allele origin: germline.

Literature cited by the submitters: PubMed 25097241 (cited by Women's Health and Genetics/Laboratory Corporation of America, LabCorp); PubMed 28912962 (cited by Women's Health and Genetics/Laboratory Corporation of America, LabCorp).

NM_001034853.2(RPGR):c.905G>C (p.Cys302Ser)

Gene: RPGR (retinitis pigmentosa GTPase regulator; minus strand). Cytogenetic location: Xp11.4.
Variant type: single nucleotide variant.
Coding change: c.905G>C on transcript NM_001034853.2 (MANE Select); coding-DNA position 905, G replaced by C.
Protein change: p.Cys302Ser; replaces cysteine 302 with serine.
Molecular consequence: missense variant. On other transcripts: non-coding transcript variant (5).
Genome position (GRCh38, 1-based): chrX:38,304,664, C>G on the plus strand (G>C on the coding strand, the complement: RPGR is on the minus strand). VCF-style: chrX-38304664-C-G. GRCh37 (hg19) VCF-style: chrX-38163917-C-G.
Other names: c.905G>C, p.Cys302Ser (NM_000328.3, NM_001367246.1, NM_001367247.1 and 1 more transcripts); c.902G>C, p.Cys301Ser (NM_001367245.1, NM_001367249.1, NM_001367250.1); c.935G>C, p.Cys312Ser (NM_001367248.1); short protein forms C302S, C301S, C312S.
Identifiers: ClinVar variation 255837 (VCV000255837.28), dbSNP rs62640590, ClinGen allele CA10385580.